The following is an entry in ClinVar:

ClinVar aggregate classification (germline): Uncertain significance (1 of 4 stars; one submission).

Allele frequency attached by ClinVar (database versions not stated): gnomAD exomes below 0.00001.
gnomAD v4.1: 1 of 1,613,528 alleles (0.000062%); highest among the groups gnomAD compares: Non-Finnish European, 0.000085%; no homozygotes.

Submission:

Labcorp Genetics (formerly Invitae), Labcorp
Classification: Uncertain significance. Last evaluated: 2022-07-11. Review status: criteria provided, single submitter. Criteria: Invitae Variant Classification Sherloc (09022015). Collection method: clinical testing. Allele origin: germline.
Comment: This variant is not present in population databases (gnomAD no frequency). This sequence change replaces lysine, which is basic and polar, with glutamine, which is neutral and polar, at codon 282 of the PLVAP protein (p.Lys282Gln). This variant has not been reported in the literature in individuals affected with PLVAP-related conditions. Algorithms developed to predict the effect of missense changes on protein structure and function are either unavailable or do not agree on the potential impact of this missense change (SIFT: "Deleterious"; PolyPhen-2: "Probably Damaging"; Align-GVGD: "Class C0"). In summary, the available evidence is currently insufficient to determine the role of this variant in disease. Therefore, it has been classified as a Variant of Uncertain Significance.

NM_031310.3(PLVAP):c.844A>C (p.Lys282Gln)

Gene: PLVAP (plasmalemma vesicle associated protein; minus strand). Cytogenetic location: 19p13.11.
Variant type: single nucleotide variant.
Coding change: c.844A>C on transcript NM_031310.3 (MANE Select); coding-DNA position 844, A replaced by C.
Protein change: p.Lys282Gln; replaces lysine 282 with glutamine.
Molecular consequence: missense variant.
Genome position (GRCh38, 1-based): chr19:17,365,621, T>G on the plus strand (A>C on the coding strand, the complement: PLVAP is on the minus strand). VCF-style: chr19-17365621-T-G. GRCh37 (hg19) VCF-style: chr19-17476430-T-G.
Other names: short protein forms K282Q.
Identifiers: ClinVar variation 2185041 (VCV002185041.4), dbSNP rs2513229222, ClinGen allele CA404674654.